The following is an entry in ClinVar:

NM_006469.5(IVNS1ABP):c.1490C>T (p.Pro497Leu)

Gene: IVNS1ABP (influenza virus NS1A binding protein; minus strand). Cytogenetic location: 1q25.3.
Variant type: single nucleotide variant.
Coding change: c.1490C>T on transcript NM_006469.5 (MANE Select); coding-DNA position 1490, C replaced by T.
Protein change: p.Pro497Leu; replaces proline 497 with leucine.
Molecular consequence: missense variant.
Genome position (GRCh38, 1-based): chr1:185,300,010, G>A on the plus strand (C>T on the coding strand, the complement: IVNS1ABP is on the minus strand). VCF-style: chr1-185300010-G-A. GRCh37 (hg19) VCF-style: chr1-185269142-G-A.
Other names: short protein forms P497L.
Identifiers: ClinVar variation 3112037 (VCV003112037.2), dbSNP rs201979152, ClinGen allele CA1290375.

ClinVar aggregate classification (germline): Uncertain significance. Review status: criteria provided, multiple submitters, no conflicts (2 of 4 stars). 2 submissions from 2 submitters: Uncertain significance (2). Last evaluated 2026-06-22.

Conditions:
IVNS1ABP-related disorder. Also called: IVNS1ABP-related condition.

Allele frequency attached by ClinVar (database versions not stated): TOPMed 0.00010; ExAC 0.00012; gnomAD 0.00015; gnomAD exomes 0.00015; ESP Exome Variant Server 0.00031.
gnomAD v4.1: 232 of 1,609,418 alleles (0.014%); highest among the groups gnomAD compares: Non-Finnish European, 0.019%; no homozygotes.

Submissions (2):

PreventionGenetics, part of Exact Sciences
Classification: Uncertain significance for IVNS1ABP-related condition. Last evaluated: 2026-06-22. Review status: criteria provided, single submitter. Criteria: ACMG Guidelines, 2015. Collection method: clinical testing. Allele origin: germline.
Comment: The IVNS1ABP c.1490C>T variant is predicted to result in the amino acid substitution p.Pro497Leu. To our knowledge, this variant has not been reported in the literature. This variant is reported in 0.023% of alleles in individuals of European (Non-Finnish) descent in gnomAD, which may be too common to be causative. Although we suspect that this variant may be benign, at this time, the clinical significance of this variant is uncertain due to the absence of conclusive functional and genetic evidence.

Ambry Genetics
Classification: Uncertain significance. Last evaluated: 2024-03-01. Review status: criteria provided, single submitter. Criteria: Ambry Variant Classification Scheme 2023. Collection method: clinical testing. Allele origin: germline.